The following is an entry in ClinVar:

ClinVar aggregate classification (germline): Uncertain significance. Review status: criteria provided, multiple submitters, no conflicts (2 of 4 stars). 2 submissions from 2 submitters: Uncertain significance (2). Last evaluated 2026-07-06.

Conditions:
Hereditary diffuse gastric adenocarcinoma (HDGC). Also called: DIFFUSE GASTRIC AND LOBULAR BREAST CANCER SYNDROME. Identifiers: Orphanet 26106, MedGen C1708349, MONDO:0007648, OMIM 137215.

Submissions (2):

KCCC/NGS Laboratory, Kuwait Cancer Control Center
Classification: Uncertain significance for Hereditary diffuse gastric adenocarcinoma. Last evaluated: 2026-07-06. Review status: criteria provided, single submitter. Criteria: ACMG Guidelines, 2015. Collection method: clinical testing. Allele origin: germline. Inheritance: Autosomal dominant inheritance. Affected: yes.
Comment: A variant of uncertain significance was detected in CDH1 gene

Genomic Medicine Center of Excellence, King Faisal Specialist Hospital and Research Centre
Classification: Uncertain significance for Hereditary diffuse gastric adenocarcinoma. Last evaluated: 2024-03-29. Review status: criteria provided, single submitter. Criteria: ACMG Guidelines, 2015. Collection method: clinical testing. Allele origin: germline.

NM_004360.5(CDH1):c.1697T>G (p.Ile566Arg)

Gene: CDH1 (cadherin 1; plus strand). Cytogenetic location: 16q22.1.
Variant type: single nucleotide variant.
Coding change: c.1697T>G on transcript NM_004360.5 (MANE Select); coding-DNA position 1697, T replaced by G.
Protein change: p.Ile566Arg; replaces isoleucine 566 with arginine.
Molecular consequence: missense variant. On other transcripts: intron variant (1).
Genome position (GRCh38, 1-based): chr16:68,819,411, T>G. VCF-style: chr16-68819411-T-G. GRCh37 (hg19) VCF-style: chr16-68853314-T-G.
Other names: c.1514T>G, p.Ile505Arg (NM_001317184.2); c.149T>G, p.Ile50Arg (NM_001317185.2); c.-254-2590T>G (NM_001317186.2); c.1697T>G (NM_004360.4); short protein forms I505R, I50R, I566R.
Identifiers: ClinVar variation 3064696 (VCV003064696.2), dbSNP rs763292288, ClinGen allele CA396465414.